The following is an entry in ClinVar:

NM_000538.4(RFXAP):c.287C>T (p.Ser96Leu)

Gene: RFXAP (regulatory factor X associated protein; plus strand). Cytogenetic location: 13q13.3.
Variant type: single nucleotide variant.
Coding change: c.287C>T on transcript NM_000538.4 (MANE Select); coding-DNA position 287, C replaced by T.
Protein change: p.Ser96Leu; replaces serine 96 with leucine.
Molecular consequence: missense variant.
Genome position (GRCh38, 1-based): chr13:36,819,644, C>T. VCF-style: chr13-36819644-C-T. GRCh37 (hg19) VCF-style: chr13-37393781-C-T.
Other names: short protein forms S96L.
Identifiers: ClinVar variation 1035098 (VCV001035098.8), dbSNP rs749368415, ClinGen allele CA387854520.

ClinVar aggregate classification (germline): Uncertain significance (1 of 4 stars; one submission).

Conditions:
MHC class II deficiency. Also called: BLS, TYPE II; Bare lymphocyte syndrome 2. Identifiers: Orphanet 572, MedGen C5447452, MONDO:0008855.

Allele frequency attached by ClinVar (database versions not stated): gnomAD exomes below 0.00001; gnomAD 0.00001.
gnomAD v4.1: 5 of 1,547,568 alleles (0.00032%); highest among the groups gnomAD compares: Non-Finnish European, 0.00044%; no homozygotes.

Submission:

Labcorp Genetics (formerly Invitae), Labcorp
Classification: Uncertain significance for MHC class II deficiency. Last evaluated: 2024-10-22. Review status: criteria provided, single submitter. Criteria: Invitae Variant Classification Sherloc (09022015). Collection method: clinical testing. Allele origin: germline.
Comment: This sequence change replaces serine, which is neutral and polar, with leucine, which is neutral and non-polar, at codon 96 of the RFXAP protein (p.Ser96Leu). This variant is not present in population databases (gnomAD no frequency). This variant has not been reported in the literature in individuals affected with RFXAP-related conditions. ClinVar contains an entry for this variant (Variation ID: 1035098). Invitae Evidence Modeling of protein sequence and biophysical properties (such as structural, functional, and spatial information, amino acid conservation, physicochemical variation, residue mobility, and thermodynamic stability) indicates that this missense variant is not expected to disrupt RFXAP protein function with a negative predictive value of 80%. In summary, the available evidence is currently insufficient to determine the role of this variant in disease. Therefore, it has been classified as a Variant of Uncertain Significance.